The following is an entry in ClinVar:

NM_000038.6(APC):c.8130T>C (p.Ser2710=)

Gene: APC (APC regulator of Wnt signaling pathway; plus strand). Cytogenetic location: 5q22.2.
Variant type: single nucleotide variant.
Coding change: c.8130T>C on transcript NM_000038.6 (MANE Select); coding-DNA position 8130, T replaced by C.
Protein change: p.Ser2710=; no amino-acid change (serine 2710 retained).
Molecular consequence: synonymous variant. On other transcripts: non-coding transcript variant (2).
Genome position (GRCh38, 1-based): chr5:112,843,724, T>C. VCF-style: chr5-112843724-T-C. GRCh37 (hg19) VCF-style: chr5-112179421-T-C.
Other names: c.8130T>C, p.Ser2710= (NM_001127510.3, NM_001354895.2, NM_001407450.1); c.8076T>C, p.Ser2692= (NM_001127511.3); c.8184T>C, p.Ser2728= (NM_001354896.2, NM_001407447.1, NM_001407448.1 and 1 more transcripts); c.8160T>C, p.Ser2720= (NM_001354897.2); c.8055T>C, p.Ser2685= (NM_001354898.2); c.8046T>C, p.Ser2682= (NM_001354899.2); c.8007T>C, p.Ser2669= (NM_001354900.2); c.7953T>C, p.Ser2651= (NM_001354901.2, NM_001407453.1); and 11 more.
Identifiers: ClinVar variation 3254107 (VCV003254107.4), dbSNP rs78176192.

ClinVar aggregate classification (germline): Benign/Likely benign. Review status: criteria provided, multiple submitters, no conflicts (2 of 4 stars). 3 submissions from 3 submitters: Benign (1); Likely benign (2). Last evaluated 2025-07-17.

Conditions:
Hereditary cancer-predisposing syndrome. Also called: Hereditary Cancer Syndrome; Tumor predisposition; Hereditary neoplastic syndrome; Neoplastic Syndromes, Hereditary. Identifiers: Orphanet 140162, MedGen C0027672, MeSH D009386, MONDO:0015356.
Familial adenomatous polyposis 1 (FAP1). Also called: FAMILIAL ADENOMATOUS POLYPOSIS 1, ATTENUATED; POLYPOSIS, ADENOMATOUS INTESTINAL. Identifiers: MedGen C2713442, MONDO:0021056, OMIM 175100. Disease mechanism: loss of function.

Allele frequency attached by ClinVar (database versions not stated): gnomAD exomes below 0.00001.
gnomAD v4.1: 1 of 1,614,102 alleles (0.000062%); highest among the groups gnomAD compares: African/African-American, 0.0013%; no homozygotes.

Submissions (3):

Color Diagnostics, LLC DBA Color Health
Classification: Likely benign for Hereditary cancer-predisposing syndrome. Last evaluated: 2025-07-17. Review status: criteria provided, single submitter. Criteria: ACMG Guidelines, 2015. Collection method: clinical testing. Allele origin: germline.

Labcorp Genetics (formerly Invitae), Labcorp
Classification: Likely benign for Familial adenomatous polyposis 1. Last evaluated: 2024-09-12. Review status: criteria provided, single submitter. Criteria: Invitae Variant Classification Sherloc (09022015). Collection method: clinical testing. Allele origin: germline.

Myriad Genetics, Inc.
Classification: Benign for Familial adenomatous polyposis 1. Last evaluated: 2024-04-12. Review status: criteria provided, single submitter. Criteria: Myriad Autosomal Dominant, Autosomal Recessive and X-Linked Classification Criteria (2023). Collection method: clinical testing. Allele origin: unknown.
Comment: This variant is considered benign. This variant is a silent/synonymous amino acid change and it is not expected to impact splicing.